The following is an entry in ClinVar:

NM_130849.4(SLC39A4):c.1743C>T (p.Val581=)

Gene: SLC39A4 (solute carrier family 39 member 4; minus strand). Cytogenetic location: 8q24.3.
Variant type: single nucleotide variant.
Coding change: c.1743C>T on transcript NM_130849.4 (MANE Select); coding-DNA position 1743, C replaced by T.
Protein change: p.Val581=; no amino-acid change (valine 581 retained).
Molecular consequence: synonymous variant.
Genome position (GRCh38, 1-based): chr8:144,412,831, G>A on the plus strand (C>T on the coding strand, the complement: SLC39A4 is on the minus strand). VCF-style: chr8-144412831-G-A. GRCh37 (hg19) VCF-style: chr8-145638215-G-A.
Other names: c.249C>T, p.Val83= (NM_001280557.2); c.1461C>T, p.Val487= (NM_001374839.1); c.1668C>T, p.Val556= (NM_017767.3).
Identifiers: ClinVar variation 731046 (VCV000731046.44), dbSNP rs144252108, ClinGen allele CA4941088.

ClinVar aggregate classification (germline): Conflicting classifications of pathogenicity. Review status: criteria provided, conflicting classifications (1 of 4 stars). 6 submissions from 6 submitters: Uncertain significance (1); Benign (1); Likely benign (2). 2 of the submissions do not count toward it. Last evaluated 2026-01-28.

Conditions:
SLC39A4-related disorder. Also called: SLC39A4-related condition.
Hereditary acrodermatitis enteropathica (AEZ). Also called: Acrodermatitis enteropathica. Identifiers: Orphanet 37, MedGen C0221036, MONDO:0008713, OMIM 201100.

Allele frequency attached by ClinVar (database versions not stated): gnomAD exomes 0.00037 and 0.00074; ExAC 0.00079; ESP Exome Variant Server 0.00092; gnomAD 0.00127 and 0.00130; 1000 Genomes Project 0.00180; TOPMed 0.00182; 1000 Genomes Project 30x 0.00219.
gnomAD v4.1: 768 of 1,612,950 alleles (0.048%); highest among the groups gnomAD compares: African/African-American, 0.24%; 2 homozygotes.

Submissions (6):

Labcorp Genetics (formerly Invitae), Labcorp
Classification: Benign. Last evaluated: 2026-01-28. Review status: criteria provided, single submitter. Criteria: Invitae Variant Classification Sherloc (09022015). Collection method: clinical testing. Allele origin: germline.

Blueprint Genetics
Classification: Likely benign. Last evaluated: 2024-11-13. Review status: criteria provided, single submitter. Criteria: ACMG Guidelines, 2015. Collection method: clinical testing. Allele origin: germline.

CeGaT Center for Human Genetics Tuebingen
Classification: Likely benign. Last evaluated: 2022-10-01. Review status: criteria provided, single submitter. Criteria: CeGaT Center For Human Genetics Tuebingen Variant Classification Criteria Version 2. Collection method: clinical testing. Allele origin: germline. Affected: yes. Observed: 2 variant alleles.
Comment: SLC39A4: BP4, BP7

Illumina Laboratory Services, Illumina
Classification: Uncertain significance for Hereditary acrodermatitis enteropathica. Last evaluated: 2018-01-13. Review status: criteria provided, single submitter. Criteria: ICSL Variant Classification Criteria 13 December 2019. Collection method: clinical testing. Allele origin: germline.

Natera, Inc.
Classification: Likely benign for Acrodermatitis enteropathica. Last evaluated: 2019-10-23. Review status: no assertion criteria provided. Collection method: clinical testing. Allele origin: germline. Not counted in ClinVar's aggregate classification.

PreventionGenetics, part of Exact Sciences
Classification: Likely benign for SLC39A4-related condition. Last evaluated: 2019-08-07. Review status: no assertion criteria provided. Collection method: clinical testing. Allele origin: germline. Not counted in ClinVar's aggregate classification.
Comment: This variant is classified as likely benign based on ACMG/AMP sequence variant interpretation guidelines (Richards et al. 2015 PMID: 25741868, with internal and published modifications).